The following is an entry in ClinVar:

ClinVar aggregate classification (germline): Uncertain significance (1 of 4 stars; one submission).

gnomAD v4.1: 43 of 1,434,124 alleles (0.003%); highest among the groups gnomAD compares: Admixed American, 0.0087%; no homozygotes.

Submission:

GeneDx
Classification: Uncertain significance. Last evaluated: 2023-05-05. Review status: criteria provided, single submitter. Criteria: GeneDx Variant Classification Process June 2021. Collection method: clinical testing. Allele origin: germline. Affected: yes.
Comment: Not observed at significant frequency in large population cohorts (gnomAD); Nucleotide substitution has no predicted effect on splicing and is not conserved across species; Has not been previously published as pathogenic or benign to our knowledge

NM_000161.3(GCH1):c.-26C>T

Genes: GCH1 (GTP cyclohydrolase 1; minus strand), LOC130055692 (ATAC-STARR-seq lymphoblastoid silent region 5776; plus strand). Cytogenetic location: 14q22.2.
Variant type: single nucleotide variant.
Coding change: c.-26C>T on transcript NM_000161.3 (MANE Select); 26 bases upstream of the start codon, C replaced by T.
Molecular consequence: 5 prime UTR variant.
Genome position (GRCh38, 1-based): chr14:54,902,689, G>A on the plus strand (C>T on the coding strand, the complement: GCH1 is on the minus strand). VCF-style: chr14-54902689-G-A. GRCh37 (hg19) VCF-style: chr14-55369407-G-A.
Other names: c.-26C>T (NM_001024024.2, NM_001024070.2, NM_001024071.2 and 1 more transcripts).
Identifiers: ClinVar variation 3342444 (VCV003342444.1).
Genomic context (GRCh38, chr14:54,902,689, plus strand): 5'-TTCTCCGCCGGTGCCCGCACAGGGCCCTTCTCCATGGACCCGCCGCAGCCGCTGCCGTTC[G>A]GGAAGGACCCCGGGGCGCTTCGAGGTCTGCGGCTAAACTCCGCCGGTGGCCGCGGACAAT-3'